The following is an entry in ClinVar:

NM_001276270.2(MBD4):c.17T>C (p.Leu6Pro)

Genes: MBD4 (methyl-CpG binding domain 4, DNA glycosylase; minus strand), LOC129937550 (ATAC-STARR-seq lymphoblastoid active region 20512; plus strand). Cytogenetic location: 3q21.3.
Variant type: single nucleotide variant.
Coding change: c.17T>C on transcript NM_001276270.2 (MANE Select); coding-DNA position 17, T replaced by C.
Protein change: p.Leu6Pro; replaces leucine 6 with proline.
Molecular consequence: missense variant.
Genome position (GRCh38, 1-based): chr3:129,439,817, A>G on the plus strand (T>C on the coding strand, the complement: MBD4 is on the minus strand). VCF-style: chr3-129439817-A-G. GRCh37 (hg19) VCF-style: chr3-129158660-A-G.
Other names: c.17T>C, p.Leu6Pro (NM_001276271.2, NM_001276272.2, NM_001276273.2 and 1 more transcripts); short protein forms L6P.
Identifiers: ClinVar variation 3671945 (VCV003671945.2).

ClinVar aggregate classification (germline): Uncertain significance (1 of 4 stars; one submission).

Submission:

Labcorp Genetics (formerly Invitae), Labcorp
Classification: Uncertain significance. Last evaluated: 2025-07-14. Review status: criteria provided, single submitter. Criteria: Invitae Variant Classification Sherloc (09022015). Collection method: clinical testing. Allele origin: germline.
Comment: This sequence change replaces leucine, which is neutral and non-polar, with proline, which is neutral and non-polar, at codon 6 of the MBD4 protein (p.Leu6Pro). This variant is not present in population databases (gnomAD no frequency). This variant has not been reported in the literature in individuals affected with MBD4-related conditions. ClinVar contains an entry for this variant (Variation ID: 3671945). An algorithm developed to predict the effect of missense changes on protein structure and function (PolyPhen-2) suggests that this variant is likely to be tolerated. In summary, the available evidence is currently insufficient to determine the role of this variant in disease. Therefore, it has been classified as a Variant of Uncertain Significance.